The following is an entry in ClinVar:

NM_024996.7(GFM1):c.1738A>G (p.Lys580Glu)

Gene: GFM1 (G elongation factor mitochondrial 1; plus strand). Cytogenetic location: 3q25.32.
Variant type: single nucleotide variant.
Coding change: c.1738A>G on transcript NM_024996.7 (MANE Select); coding-DNA position 1738, A replaced by G.
Protein change: p.Lys580Glu; replaces lysine 580 with glutamic acid.
Molecular consequence: missense variant. On other transcripts: non-coding transcript variant (4).
Genome position (GRCh38, 1-based): chr3:158,682,131, A>G. VCF-style: chr3-158682131-A-G. GRCh37 (hg19) VCF-style: chr3-158399920-A-G.
Other names: c.1657A>G, p.Lys553Glu (NM_001374355.1); c.1621A>G, p.Lys541Glu (NM_001374356.1); c.1513A>G, p.Lys505Glu (NM_001374357.1); c.1279A>G, p.Lys427Glu (NM_001374358.1); c.1795A>G, p.Lys599Glu (NM_001308164.2); c.1738A>G, p.Lys580Glu (NM_001308166.2); c.1171A>G, p.Lys391Glu (NM_001374359.1, NM_001374360.1); c.1054A>G, p.Lys352Glu (NM_001374361.1); and 1 more; short protein forms K427E, K553E, K599E, K352E, K505E, K391E, K580E, K541E.
Identifiers: ClinVar variation 2079138 (VCV002079138.2), dbSNP rs370262627, ClinGen allele CA2682971.

ClinVar aggregate classification (germline): Uncertain significance. Review status: criteria provided, multiple submitters, no conflicts (2 of 4 stars). 2 submissions from 2 submitters: Uncertain significance (2). Last evaluated 2024-11-12.

Conditions:
Inborn genetic diseases. Identifiers: MedGen C0950123, MeSH D030342.

Allele frequency attached by ClinVar (database versions not stated): gnomAD exomes 0.00002; ExAC 0.00003; gnomAD 0.00003; ESP Exome Variant Server 0.00008; TOPMed 0.00009.
gnomAD v4.1: 38 of 1,613,724 alleles (0.0024%); highest among the groups gnomAD compares: Middle Eastern, 0.066%; no homozygotes.

Submissions (2):

Ambry Genetics
Classification: Uncertain significance for Inborn genetic diseases. Last evaluated: 2024-11-12. Review status: criteria provided, single submitter. Criteria: Ambry Variant Classification Scheme 2023. Collection method: clinical testing. Allele origin: germline.

Labcorp Genetics (formerly Invitae), Labcorp
Classification: Uncertain significance. Last evaluated: 2022-07-30. Review status: criteria provided, single submitter. Criteria: Invitae Variant Classification Sherloc (09022015). Collection method: clinical testing. Allele origin: germline.
Comment: This sequence change replaces lysine, which is basic and polar, with glutamic acid, which is acidic and polar, at codon 580 of the GFM1 protein (p.Lys580Glu). This variant is present in population databases (rs370262627, gnomAD 0.01%). This variant has not been reported in the literature in individuals affected with GFM1-related conditions. Algorithms developed to predict the effect of missense changes on protein structure and function are either unavailable or do not agree on the potential impact of this missense change (SIFT: "Tolerated"; PolyPhen-2: "Possibly Damaging"; Align-GVGD: "Class C0"). Algorithms developed to predict the effect of sequence changes on RNA splicing suggest that this variant may create or strengthen a splice site. In summary, the available evidence is currently insufficient to determine the role of this variant in disease. Therefore, it has been classified as a Variant of Uncertain Significance.